The following is an entry in ClinVar:

NM_000430.4(PAFAH1B1):c.475G>A (p.Asp159Asn)

Gene: PAFAH1B1 (platelet activating factor acetylhydrolase 1b regulatory subunit 1; plus strand). Cytogenetic location: 17p13.3.
Variant type: single nucleotide variant.
Coding change: c.475G>A on transcript NM_000430.4 (MANE Select); coding-DNA position 475, G replaced by A.
Protein change: p.Asp159Asn; replaces aspartic acid 159 with asparagine.
Molecular consequence: missense variant.
Genome position (GRCh38, 1-based): chr17:2,670,238, G>A. VCF-style: chr17-2670238-G-A. GRCh37 (hg19) VCF-style: chr17-2573532-G-A.
Other names: short protein forms D159N.
Identifiers: ClinVar variation 1494367 (VCV001494367.8), dbSNP rs753583241, ClinGen allele CA286906555.

ClinVar aggregate classification (germline): Uncertain significance (1 of 4 stars; one submission).

Allele frequency attached by ClinVar (database versions not stated): gnomAD exomes 0.00001.
gnomAD v4.1: 14 of 1,614,046 alleles (0.00087%); highest among the groups gnomAD compares: Non-Finnish European, 0.001%; no homozygotes.

Submission:

Labcorp Genetics (formerly Invitae), Labcorp
Classification: Uncertain significance. Last evaluated: 2023-03-26. Review status: criteria provided, single submitter. Criteria: Invitae Variant Classification Sherloc (09022015). Collection method: clinical testing. Allele origin: germline.
Comment: This variant is not present in population databases (gnomAD no frequency). This sequence change replaces aspartic acid, which is acidic and polar, with asparagine, which is neutral and polar, at codon 159 of the PAFAH1B1 protein (p.Asp159Asn). This variant has not been reported in the literature in individuals affected with PAFAH1B1-related conditions. In summary, the available evidence is currently insufficient to determine the role of this variant in disease. Therefore, it has been classified as a Variant of Uncertain Significance. An algorithm developed to predict the effect of missense changes on protein structure and function (PolyPhen-2) suggests that this variant is likely to be disruptive. ClinVar contains an entry for this variant (Variation ID: 1494367).